The following is an entry in ClinVar:

ClinVar aggregate classification (germline): Uncertain significance (1 of 4 stars; one submission).

Submission:

Labcorp Genetics (formerly Invitae), Labcorp
Classification: Uncertain significance. Last evaluated: 2024-01-15. Review status: criteria provided, single submitter. Criteria: Invitae Variant Classification Sherloc (09022015). Collection method: clinical testing. Allele origin: germline.
Comment: This sequence change replaces glycine, which is neutral and non-polar, with valine, which is neutral and non-polar, at codon 1052 of the COL4A2 protein (p.Gly1052Val). This variant is not present in population databases (gnomAD no frequency). This variant has not been reported in the literature in individuals affected with COL4A2-related conditions. ClinVar contains an entry for this variant (Variation ID: 1720678). Advanced modeling of protein sequence and biophysical properties (such as structural, functional, and spatial information, amino acid conservation, physicochemical variation, residue mobility, and thermodynamic stability) has been performed at Invitae for this missense variant, however the output from this modeling did not meet the statistical confidence thresholds required to predict the impact of this variant on COL4A2 protein function. In summary, the available evidence is currently insufficient to determine the role of this variant in disease. Therefore, it has been classified as a Variant of Uncertain Significance.

NM_001846.4(COL4A2):c.3155G>T (p.Gly1052Val)

Gene: COL4A2 (collagen type IV alpha 2 chain; plus strand). Cytogenetic location: 13q34.
Variant type: single nucleotide variant.
Coding change: c.3155G>T on transcript NM_001846.4 (MANE Select); coding-DNA position 3155, G replaced by T.
Protein change: p.Gly1052Val; replaces glycine 1052 with valine.
Molecular consequence: missense variant.
Genome position (GRCh38, 1-based): chr13:110,485,784, G>T. VCF-style: chr13-110485784-G-T. GRCh37 (hg19) VCF-style: chr13-111138131-G-T.
Other names: short protein forms G1052V.
Identifiers: ClinVar variation 1720678 (VCV001720678.5), dbSNP rs2502171004, ClinGen allele CA388729465.